The following is an entry in ClinVar:

ClinVar aggregate classification (germline): Benign. Review status: criteria provided, multiple submitters, no conflicts (2 of 4 stars). 4 submissions from 4 submitters: Benign (4). Last evaluated 2026-02-04.

Conditions:
Parkinsonian-pyramidal syndrome. Also called: PARKINSON DISEASE 15, AUTOSOMAL RECESSIVE EARLY-ONSET; PALLIDOPYRAMIDAL SYNDROME; PARKINSON DISEASE 15, AUTOSOMAL RECESSIVE. Identifiers: Orphanet 171695, MedGen C1850100, MONDO:0009830, OMIM 260300.

Allele frequency attached by ClinVar (database versions not stated): gnomAD exomes 0.00154 and 0.00419; ExAC 0.00486; 1000 Genomes Project 30x 0.01452; 1000 Genomes Project 0.01538; gnomAD 0.01562 and 0.01681; TOPMed 0.01763; ESP Exome Variant Server 0.01791.
gnomAD v4.1: 4,766 of 1,613,882 alleles (0.3%); highest among the groups gnomAD compares: African/African-American, 5.3%; 133 homozygotes.

Submissions (23):

Labcorp Genetics (formerly Invitae), Labcorp
Classification: Benign for Parkinsonian-pyramidal syndrome. Last evaluated: 2026-02-04. Review status: criteria provided, single submitter. Criteria: Invitae Variant Classification Sherloc (09022015). Collection method: clinical testing. Allele origin: germline.

GeneDx
Classification: Benign. Last evaluated: 2018-07-05. Review status: criteria provided, single submitter. Criteria: GeneDx Variant Classification Process June 2021. Collection method: clinical testing. Allele origin: germline. Affected: yes.

Illumina Laboratory Services, Illumina
Classification: Benign for Parkinsonian-pyramidal syndrome. Last evaluated: 2017-04-27. Review status: criteria provided, single submitter. Criteria: ICSL Variant Classification Criteria 13 December 2019. Collection method: clinical testing. Allele origin: germline.
Comment: This variant was observed as part of a predisposition screen in an ostensibly healthy population. A literature search was performed for the gene, cDNA change, and amino acid change (where applicable). No publications were found based on this search. Allele frequency data from public databases was too high to be consistent with this variant causing disease. Therefore, this variant is classified as benign.

Breakthrough Genomics
Classification: Benign. Review status: criteria provided, single submitter. Criteria: ACMG Guidelines, 2015. Collection method: not provided. Allele origin: germline. Inheritance: Autosomal recessive inheritance. Affected: yes.

Dr. Peter K. Rogan Lab, Western University
No classification provided (evidence only). Condition: Lung cancer. Review status: no classification provided. Collection method: in vitro. Allele origin: not applicable. Functional consequence: retained intron. Not counted in ClinVar's aggregate classification.

Dr. Peter K. Rogan Lab, Western University
No classification provided (evidence only). Condition: Lung cancer. Review status: no classification provided. Collection method: in vitro. Allele origin: not applicable. Functional consequence: retained intron. Not counted in ClinVar's aggregate classification.

Dr. Peter K. Rogan Lab, Western University
No classification provided (evidence only). Condition: Lung cancer. Review status: no classification provided. Collection method: in vitro. Allele origin: not applicable. Functional consequence: retained intron. Not counted in ClinVar's aggregate classification.

Dr. Peter K. Rogan Lab, Western University
No classification provided (evidence only). Condition: Acute myeloid leukemia. Review status: no classification provided. Collection method: in vitro. Allele origin: not applicable. Functional consequence: retained intron. Not counted in ClinVar's aggregate classification.

Dr. Peter K. Rogan Lab, Western University
No classification provided (evidence only). Condition: Thyroid cancer, nonmedullary, 1. Review status: no classification provided. Collection method: in vitro. Allele origin: not applicable. Functional consequence: retained intron. Not counted in ClinVar's aggregate classification.

Dr. Peter K. Rogan Lab, Western University
No classification provided (evidence only). Condition: Thyroid cancer, nonmedullary, 1. Review status: no classification provided. Collection method: in vitro. Allele origin: not applicable. Functional consequence: retained intron. Not counted in ClinVar's aggregate classification.

Dr. Peter K. Rogan Lab, Western University
No classification provided (evidence only). Condition: Thyroid cancer, nonmedullary, 1. Review status: no classification provided. Collection method: in vitro. Allele origin: not applicable. Functional consequence: retained intron. Not counted in ClinVar's aggregate classification.

Dr. Peter K. Rogan Lab, Western University
No classification provided (evidence only). Condition: Uterine corpus endometrial carcinoma. Review status: no classification provided. Collection method: in vitro. Allele origin: not applicable. Functional consequence: retained intron. Not counted in ClinVar's aggregate classification.

Dr. Peter K. Rogan Lab, Western University
No classification provided (evidence only). Condition: Uterine corpus endometrial carcinoma. Review status: no classification provided. Collection method: in vitro. Allele origin: not applicable. Functional consequence: retained intron. Not counted in ClinVar's aggregate classification.

Dr. Peter K. Rogan Lab, Western University
No classification provided (evidence only). Condition: Uterine corpus endometrial carcinoma. Review status: no classification provided. Collection method: in vitro. Allele origin: not applicable. Functional consequence: retained intron. Not counted in ClinVar's aggregate classification.

Dr. Peter K. Rogan Lab, Western University
No classification provided (evidence only). Condition: Uterine corpus endometrial carcinoma. Review status: no classification provided. Collection method: in vitro. Allele origin: not applicable. Functional consequence: retained intron. Not counted in ClinVar's aggregate classification.

Dr. Peter K. Rogan Lab, Western University
No classification provided (evidence only). Condition: Uterine corpus endometrial carcinoma. Review status: no classification provided. Collection method: in vitro. Allele origin: not applicable. Functional consequence: retained intron. Not counted in ClinVar's aggregate classification.

Dr. Peter K. Rogan Lab, Western University
No classification provided (evidence only). Condition: Uterine corpus endometrial carcinoma. Review status: no classification provided. Collection method: in vitro. Allele origin: not applicable. Functional consequence: retained intron. Not counted in ClinVar's aggregate classification.

Dr. Peter K. Rogan Lab, Western University
No classification provided (evidence only). Condition: Uterine corpus endometrial carcinoma. Review status: no classification provided. Collection method: in vitro. Allele origin: not applicable. Functional consequence: retained intron. Not counted in ClinVar's aggregate classification.

Dr. Peter K. Rogan Lab, Western University
No classification provided (evidence only). Condition: Uterine corpus endometrial carcinoma. Review status: no classification provided. Collection method: in vitro. Allele origin: not applicable. Functional consequence: retained intron. Not counted in ClinVar's aggregate classification.

Dr. Peter K. Rogan Lab, Western University
No classification provided (evidence only). Condition: Sarcoma. Review status: no classification provided. Collection method: in vitro. Allele origin: not applicable. Functional consequence: retained intron. Not counted in ClinVar's aggregate classification.

Dr. Peter K. Rogan Lab, Western University
No classification provided (evidence only). Condition: Nonpapillary renal cell carcinoma. Review status: no classification provided. Collection method: in vitro. Allele origin: not applicable. Functional consequence: retained intron. Not counted in ClinVar's aggregate classification.

Dr. Peter K. Rogan Lab, Western University
No classification provided (evidence only). Condition: Ovarian serous cystadenocarcinoma. Review status: no classification provided. Collection method: in vitro. Allele origin: not applicable. Functional consequence: retained intron. Not counted in ClinVar's aggregate classification.

Dr. Peter K. Rogan Lab, Western University
No classification provided (evidence only). Condition: Ovarian serous cystadenocarcinoma. Review status: no classification provided. Collection method: in vitro. Allele origin: not applicable. Functional consequence: retained intron. Not counted in ClinVar's aggregate classification.

NM_012179.4(FBXO7):c.968-14T>G

Gene: FBXO7 (F-box protein 7; plus strand). Cytogenetic location: 22q12.3.
Variant type: single nucleotide variant.
Coding change: c.968-14T>G on transcript NM_012179.4 (MANE Select); 14 bases into the intron before coding-DNA position 968, T replaced by G.
Molecular consequence: intron variant.
Genome position (GRCh38, 1-based): chr22:32,493,091, T>G. VCF-style: chr22-32493091-T-G. GRCh37 (hg19) VCF-style: chr22-32889078-T-G.
Other names: c.626-14T>G (NM_001257990.2); c.731-14T>G (NM_001033024.2).
Identifiers: ClinVar variation 903533 (VCV000903533.17), dbSNP rs77327421, ClinGen allele CA10201615.
Genomic context (GRCh38, chr22:32,493,091, plus strand): 5'-TTTGTTGACTATGTGGAGAAAGCCAGATGTTCTTTACTCAGTAATACCTGTTACTTCTCT[T>G]TTTTTCCTTTTAGCACTGAACCTACCAGATGTATTTGGGTTGGTCGTCCTCCCATTGGAA-3'